The following is an entry in ClinVar:

NM_001008212.2(OPTN):c.553-10G>A

Gene: OPTN (optineurin; plus strand). Cytogenetic location: 10p13.
Variant type: single nucleotide variant.
Coding change: c.553-10G>A on transcript NM_001008212.2 (MANE Select); 10 bases into the intron before coding-DNA position 553, G replaced by A.
Molecular consequence: intron variant.
Genome position (GRCh38, 1-based): chr10:13,116,257, G>A. VCF-style: chr10-13116257-G-A. GRCh37 (hg19) VCF-style: chr10-13158257-G-A.
Other names: p.?; c.553-10G>A (NM_001008211.1, NM_001008213.1, NM_021980.4).
Identifiers: ClinVar variation 256882 (VCV000256882.24), dbSNP rs11258210, ClinGen allele CA5410667.
Genomic context (GRCh38, chr10:13,116,257, plus strand): 5'-TTCTTCTTTTGACAAAGAATTTGTCTTGTAGACATATTGTGTTAAATCCCTTGCATTTCT[G>A]TTTTCACAGGAAGGAGAAGCAGAAGGGTCAGTAAAAGAAATCAAGCATAGTCCTGGGCCC-3'

ClinVar aggregate classification (germline): Benign. Review status: criteria provided, multiple submitters, no conflicts (2 of 4 stars). 7 submissions from 6 submitters: Benign (7). Last evaluated 2026-02-01.

Conditions:
Primary open angle glaucoma (POAG). Also called: OPTN-related open angle glaucoma. Identifiers: MedGen C0339573, MONDO:0100553, OMIM 137760.
Amyotrophic lateral sclerosis type 12 (ALS12). Also called: AMYOTROPHIC LATERAL SCLEROSIS 12 WITH OR WITHOUT FRONTOTEMPORAL DEMENTIA. Identifiers: Orphanet 803, MedGen C3150692, MONDO:0013264, OMIM 613435.
Glaucoma 1, open angle, E. Identifiers: MedGen C1842026, MONDO:0007665.

Allele frequency attached by ClinVar (database versions not stated): gnomAD exomes 0.00401 and 0.01007; TOPMed 0.00730; ExAC 0.00950; 1000 Genomes Project 30x 0.02358; 1000 Genomes Project 0.02396; gnomAD 0.00492 and 0.00626; ESP Exome Variant Server 0.00062.
gnomAD v4.1: 6,693 of 1,579,346 alleles (0.42%); highest among the groups gnomAD compares: East Asian, 10%; 241 homozygotes.

Submissions (7):

Labcorp Genetics (formerly Invitae), Labcorp
Classification: Benign for Primary open angle glaucoma; Glaucoma 1, open angle, E; Amyotrophic lateral sclerosis type 12. Last evaluated: 2026-02-01. Review status: criteria provided, single submitter. Criteria: Invitae Variant Classification Sherloc (09022015). Collection method: clinical testing. Allele origin: germline.

Mayo Clinic Laboratories, Mayo Clinic
Classification: Benign. Last evaluated: 2022-05-24. Review status: criteria provided, single submitter. Criteria: ACMG Guidelines, 2015. Collection method: clinical testing. Allele origin: germline. Observed: 12 variant alleles.
Comment: BA1, BP4

Illumina Laboratory Services, Illumina
Classification: Benign for Primary open angle glaucoma. Last evaluated: 2018-03-06. Review status: criteria provided, single submitter. Criteria: ICSL Variant Classification Criteria 13 December 2019. Collection method: clinical testing. Allele origin: germline.
Comment: This variant was observed in the ICSL laboratory as part of a predisposition screen in an ostensibly healthy population. It had not been previously curated by ICSL or reported in the Human Gene Mutation Database (HGMD: prior to June 1st, 2018), and was therefore a candidate for classification through an automated scoring system. Utilizing variant allele frequency, disease prevalence and penetrance estimates, and inheritance mode, an automated score was calculated to assess if this variant is too frequent to cause the disease. Based on the score and internal cut-off values, a variant classified as benign is not then subjected to further curation. The score for this variant resulted in a classification of benign for this disease.

Illumina Laboratory Services, Illumina
Classification: Benign for Amyotrophic lateral sclerosis type 12. Last evaluated: 2018-03-06. Review status: criteria provided, single submitter. Criteria: ICSL Variant Classification Criteria 13 December 2019. Collection method: clinical testing. Allele origin: germline.
Comment: the same text as in the submission from Illumina Laboratory Services, Illumina above.

GeneDx
Classification: Benign. Last evaluated: 2015-03-03. Review status: criteria provided, single submitter. Criteria: GeneDx Variant Classification Process June 2021. Collection method: clinical testing. Allele origin: germline. Affected: yes.
Comment: This variant is associated with the following publications: (PMID: 15312511)

Breakthrough Genomics
Classification: Benign. Review status: criteria provided, single submitter. Criteria: ACMG Guidelines, 2015. Collection method: not provided. Allele origin: germline. Inheritance: Autosomal recessive inheritance. Affected: yes.

PreventionGenetics, part of Exact Sciences
Classification: Benign. Review status: criteria provided, single submitter. Criteria: ACMG Guidelines, 2015. Collection method: clinical testing. Allele origin: germline.